The following is an entry in ClinVar:

ClinVar aggregate classification (germline): Uncertain significance. Review status: criteria provided, multiple submitters, no conflicts (2 of 4 stars). 3 submissions from 3 submitters: Uncertain significance (3). Last evaluated 2024-02-26.

Allele frequency attached by ClinVar (database versions not stated): TOPMed below 0.00001; gnomAD 0.00001.

Submissions (3):

GeneDx
Classification: Uncertain significance. Last evaluated: 2024-02-26. Review status: criteria provided, single submitter. Criteria: GeneDx Variant Classification Process June 2021. Collection method: clinical testing. Allele origin: germline. Affected: yes.
Comment: Frameshift variant predicted to result in protein truncation or nonsense mediated decay in a gene for which loss-of-function is not an established mechanism of disease; Not observed at significant frequency in large population cohorts (gnomAD); Has not been previously published as pathogenic or benign to our knowledge

Blueprint Genetics
Classification: Uncertain significance. Last evaluated: 2021-11-18. Review status: criteria provided, single submitter. Criteria: ACMG Guidelines, 2015. Collection method: clinical testing. Allele origin: germline.

Center for Pediatric Genomic Medicine, Children's Mercy Hospital and Clinics
Classification: Uncertain significance. Last evaluated: 2017-03-20. Review status: criteria provided, single submitter. Criteria: ACMG Guidelines, 2015. Collection method: clinical testing. Allele origin: germline.

NM_001614.5(ACTG1):c.422_423insGACA (p.Leu142fs)

Gene: ACTG1 (actin gamma 1; minus strand). Cytogenetic location: 17q25.3.
Variant type: Insertion.
Coding change: c.422_423insGACA on transcript NM_001614.5 (MANE Select); coding-DNA positions 422 to 423, GACA inserted.
Protein change: p.Leu142fs; shifts the reading frame from leucine 142.
Molecular consequence: frameshift variant. On other transcripts: non-coding transcript variant (1).
Genome position: GRCh38 VCF-style: chr17-81511567-G-GTGTC. GRCh37 (hg19) VCF-style: chr17-79478593-G-GTGTC.
Other names: c.422_423insGACA (NM_001614.3); c.422_423insGACA, p.Leu142fs (NM_001199954.3); short protein forms L142fs.
Identifiers: ClinVar variation 445636 (VCV000445636.4), dbSNP rs1555666808, ClinGen allele CA658653847.